The following is an entry in ClinVar:

NM_198428.3(BBS9):c.95A>G (p.Asn32Ser)

Gene: BBS9 (Bardet-Biedl syndrome 9; plus strand). Cytogenetic location: 7p14.3.
Variant type: single nucleotide variant.
Coding change: c.95A>G on transcript NM_198428.3 (MANE Select); coding-DNA position 95, A replaced by G.
Protein change: p.Asn32Ser; replaces asparagine 32 with serine.
Molecular consequence: missense variant. On other transcripts: 5 prime UTR variant (3), non-coding transcript variant (3), intron variant (4).
Genome position (GRCh38, 1-based): chr7:33,146,347, A>G. VCF-style: chr7-33146347-A-G. GRCh37 (hg19) VCF-style: chr7-33185959-A-G.
Other names: c.95A>G, p.Asn32Ser (NM_001033604.2, NM_001033605.2, NM_001348036.1 and 5 more transcripts); c.-207A>G (NM_001348037.3); c.-183A>G (NM_001348038.3, NM_001348039.3); c.-23-6354A>G (NM_001348042.3); c.-189-6354A>G (NM_001348045.3); c.-39+16306A>G (NM_001348046.3, NM_001348044.3); short protein forms N32S.
Identifiers: ClinVar variation 3350488 (VCV003350488.1).

ClinVar aggregate classification (germline): Uncertain significance (0 of 4 stars; one submission).

Conditions:
BBS9-related disorder. Also called: BBS9-related condition.

gnomAD v4.1: 4 of 1,613,484 alleles (0.00025%); highest among the groups gnomAD compares: South Asian, 0.0011%; no homozygotes.

Submission:

PreventionGenetics, part of Exact Sciences
Classification: Uncertain significance for BBS9-related condition. Last evaluated: 2024-08-30. Review status: no assertion criteria provided. Collection method: clinical testing. Allele origin: germline.
Comment: The BBS9 c.95A>G variant is predicted to result in the amino acid substitution p.Asn32Ser. To our knowledge, this variant has not been reported in the literature. This variant is reported in 0.0033% of alleles in individuals of South Asian descent in gnomAD. At this time, the clinical significance of this variant is uncertain due to the absence of conclusive functional and genetic evidence.